The following is an entry in ClinVar:

NM_021927.3(GUF1):c.669+1dup

Gene: GUF1 (GTP binding elongation factor GUF1; plus strand). Cytogenetic location: 4p12.
Variant type: Duplication.
Coding change: c.669+1dup on transcript NM_021927.3 (MANE Select); the canonical splice donor site of the intron after coding-DNA position 669, one base duplicated (G; older notation c.669+1dupG).
Molecular consequence: splice donor variant.
Genome position (GRCh38, 1-based): chr4:44,683,319, G duplicated; the last of 2 consecutive G bases (chr4:44,683,318-44,683,319); duplicating either gives the same sequence. VCF-style (leftmost placement, unchanged base first): chr4-44683317-A-AG. GRCh37 (hg19) VCF-style: chr4-44685334-A-AG.
Other names: c.669+1dup (NM_001345868.2); c.-304+1dup (NM_001345867.2, NM_001345869.2); c.669+1dupG (NM_021927.3).
Identifiers: ClinVar variation 1387749 (VCV001387749.7), dbSNP rs760685808, ClinGen allele CA2905381.

ClinVar aggregate classification (germline): Uncertain significance. Review status: criteria provided, multiple submitters, no conflicts (2 of 4 stars). 2 submissions from 2 submitters: Uncertain significance (2). Last evaluated 2025-07-10.

Submissions (2):

Women's Health and Genetics/Laboratory Corporation of America, LabCorp
Classification: Uncertain significance. Last evaluated: 2025-07-10. Review status: criteria provided, single submitter. Criteria: LabCorp Variant Classification Summary - May 2015. Collection method: clinical testing. Allele origin: germline.
Comment: Variant summary: GUF1 c.669+1dupG is located in a canonical splice-site and is predicted to affect mRNA splicing resulting in a significantly altered protein due to either exon skipping, shortening, or inclusion of intronic material. Variants that disrupt the consensus splice site are a relatively common cause of aberrant splicing, however current evidence is not sufficient to establish loss of function as a mechanism for disease. Several computational tools predict a significant impact on normal splicing: Four predict the variant weakens a 5' donor site. Three predict the variant creates a 5' donor site. However, these predictions have yet to be confirmed by functional studies. The variant allele was found at a frequency of 3.4e-05 in 207920 control chromosomes. The available data on variant occurrences in the general population are insufficient to allow any conclusion about variant significance. To our knowledge, no occurrence of c.669+1dupG in individuals affected with Early Infantile Epileptic Encephalopathy, 40 and no experimental evidence demonstrating its impact on protein function have been reported. ClinVar contains an entry for this variant (Variation ID: 1387749). Based on the evidence outlined above, the variant was classified as uncertain significance.

Labcorp Genetics (formerly Invitae), Labcorp
Classification: Uncertain significance. Last evaluated: 2024-09-06. Review status: criteria provided, single submitter. Criteria: Invitae Variant Classification Sherloc (09022015). Collection method: clinical testing. Allele origin: germline.
Comment: This sequence change creates a premature translational stop signal (Splice site) in the GUF1 gene. It is expected to result in an absent or disrupted protein product. However, the current clinical and genetic evidence is not sufficient to establish whether loss-of-function variants in GUF1 cause disease. This variant is present in population databases (rs760685808, gnomAD 0.009%). This variant has not been reported in the literature in individuals affected with GUF1-related conditions. This variant is also known as c.669+1dup. ClinVar contains an entry for this variant (Variation ID: 1387749). Algorithms developed to predict the effect of sequence changes on RNA splicing suggest that this variant may disrupt the consensus splice site. In summary, the available evidence is currently insufficient to determine the role of this variant in disease. Therefore, it has been classified as a Variant of Uncertain Significance.